The following is an entry in ClinVar:

NM_033641.4(COL4A6):c.2131+5G>A

Gene: COL4A6 (collagen type IV alpha 6 chain; minus strand). Cytogenetic location: Xq22.3.
Variant type: single nucleotide variant.
Coding change: c.2131+5G>A on transcript NM_033641.4 (MANE Select); 5 bases into the intron after coding-DNA position 2131, G replaced by A.
Molecular consequence: intron variant.
Genome position (GRCh38, 1-based): chrX:108,180,510, C>T on the plus strand (G>A on the coding strand, the complement: COL4A6 is on the minus strand). VCF-style: chrX-108180510-C-T. GRCh37 (hg19) VCF-style: chrX-107423740-C-T.
Other names: c.2134+5G>A (NM_001847.4); c.2131+5G>A (NM_001287760.2, NM_001287759.2); c.2182+5G>A (NM_001287758.2).
Identifiers: ClinVar variation 3677571 (VCV003677571.2).

ClinVar aggregate classification (germline): Uncertain significance (1 of 4 stars; one submission).

Submission:

Labcorp Genetics (formerly Invitae), Labcorp
Classification: Uncertain significance. Last evaluated: 2024-01-28. Review status: criteria provided, single submitter. Criteria: Invitae Variant Classification Sherloc (09022015). Collection method: clinical testing. Allele origin: germline.
Comment: This sequence change falls in intron 25 of the COL4A6 gene. It does not directly change the encoded amino acid sequence of the COL4A6 protein. It affects a nucleotide within the consensus splice site. This variant is not present in population databases (gnomAD no frequency). This variant has not been reported in the literature in individuals affected with COL4A6-related conditions. Variants that disrupt the consensus splice site are a relatively common cause of aberrant splicing (PMID: 17576681, 9536098). Algorithms developed to predict the effect of sequence changes on RNA splicing suggest that this variant is not likely to affect RNA splicing. In summary, the available evidence is currently insufficient to determine the role of this variant in disease. Therefore, it has been classified as a Variant of Uncertain Significance.

Literature cited by the submitters: PubMed 17576681; PubMed 9536098.